The following is an entry in ClinVar:

NM_000090.4(COL3A1):c.1345C>T (p.Arg449Cys)

Gene: COL3A1 (collagen type III alpha 1 chain; plus strand). Cytogenetic location: 2q32.2.
Variant type: single nucleotide variant.
Coding change: c.1345C>T on transcript NM_000090.4 (MANE Select); coding-DNA position 1345, C replaced by T.
Protein change: p.Arg449Cys; replaces arginine 449 with cysteine.
Molecular consequence: missense variant.
Genome position (GRCh38, 1-based): chr2:188,994,592, C>T. VCF-style: chr2-188994592-C-T. GRCh37 (hg19) VCF-style: chr2-189859318-C-T.
Other names: short protein forms R449C.
Identifiers: ClinVar variation 2138973 (VCV002138973.7), dbSNP rs1186071837, ClinGen allele CA349851717.
Genomic context (GRCh38, chr2:188,994,592, plus strand): 5'-ATACTTTAGGGTGAGCCTGGTAAGAATGGTGCCAAAGGAGAGCCCGGACCACGTGGTGAA[C>T]GCGTAAGTTTTACTGCAACAGATCTGGTTATTTCTTGAAAAAATGCAACATAATTAGAAA-3'
Protein context (NP_000081.2, residues 439-459): AKGEPGPRGE[Arg449Cys]GEAGIPGVPG

ClinVar aggregate classification (germline): Uncertain significance. Review status: criteria provided, multiple submitters, no conflicts (2 of 4 stars). 3 submissions from 3 submitters: Uncertain significance (3). Last evaluated 2022-03-07.

Conditions:
Familial thoracic aortic aneurysm and aortic dissection (TAAD). Also called: Thoracic aortic aneurysms and dissections. Identifiers: Orphanet 91387, MedGen C4707243, MONDO:0019625.
Ehlers-Danlos syndrome, type 4 (EDSVASC). Also called: Ehlers-Danlos syndrome vascular type; Ehlers Danlos syndrome, ecchymotic type; Ehlers Danlos syndrome, arterial type; Ehlers Danlos syndrome, Sack-Barabas type; Ehlers-Danlos Syndrome Type IV. Identifiers: Orphanet 286, MedGen C0268338, MONDO:0017314, OMIM 130050.

Submissions (3):

CHEO Genetics Diagnostic Laboratory, Children's Hospital of Eastern Ontario
Classification: Uncertain significance for Familial thoracic aortic aneurysm and aortic dissection. Last evaluated: 2022-03-07. Review status: criteria provided, single submitter. Criteria: ACMG Guidelines, 2015. Collection method: clinical testing. Allele origin: germline.

Labcorp Genetics (formerly Invitae), Labcorp
Classification: Uncertain significance for Ehlers-Danlos syndrome, type 4. Last evaluated: 2021-12-18. Review status: criteria provided, single submitter. Criteria: Invitae Variant Classification Sherloc (09022015). Collection method: clinical testing. Allele origin: germline.
Comment: Algorithms developed to predict the effect of missense changes on protein structure and function are either unavailable or do not agree on the potential impact of this missense change (SIFT: "Deleterious"; PolyPhen-2: "Not Available"; Align-GVGD: "Class C0"). In summary, the available evidence is currently insufficient to determine the role of this variant in disease. Therefore, it has been classified as a Variant of Uncertain Significance. This variant has not been reported in the literature in individuals affected with COL3A1-related conditions. This variant is not present in population databases (gnomAD no frequency). This sequence change replaces arginine, which is basic and polar, with cysteine, which is neutral and slightly polar, at codon 449 of the COL3A1 protein (p.Arg449Cys).

GeneDx
Classification: Uncertain significance. Last evaluated: 2021-11-12. Review status: criteria provided, single submitter. Criteria: GeneDx Variant Classification Process June 2021. Collection method: clinical testing. Allele origin: germline. Affected: yes.
Comment: Not observed at significant frequency in large population cohorts (gnomAD); In silico analysis supports that this missense variant has a deleterious effect on protein structure/function; Has not been previously published as pathogenic or benign to our knowledge